The following is an entry in ClinVar:

NM_001378120.1(MBD5):c.3865C>T (p.Pro1289Ser)

Gene: MBD5 (methyl-CpG binding domain protein 5; plus strand). Cytogenetic location: 2q23.1.
Variant type: single nucleotide variant.
Coding change: c.3865C>T on transcript NM_001378120.1 (MANE Select); coding-DNA position 3865, C replaced by T.
Protein change: p.Pro1289Ser; replaces proline 1289 with serine.
Molecular consequence: missense variant.
Genome position (GRCh38, 1-based): chr2:148,489,497, C>T. VCF-style: chr2-148489497-C-T. GRCh37 (hg19) VCF-style: chr2-149247066-C-T.
Other names: c.3166C>T, p.Pro1056Ser (NM_018328.5); short protein forms P1056S, P1289S.
Identifiers: ClinVar variation 2651416 (VCV002651416.24), dbSNP rs1438653348, ClinGen allele CA348725410.
Genomic context (GRCh38, chr2:148,489,497, plus strand): 5'-CCTGGGCTCACAGCACTTCCTGAGAATCCAAACACTACACTTCCACCTTTTCAAGATACA[C>T]CTTGTGAGTTGCAACCGAGGATTGACCCATCTCTTGGTCAACAGGTGAAGGATGGCCTCG-3'
Protein context (NP_001365049.1, residues 1279-1299): NTTLPPFQDT[Pro1289Ser]CELQPRIDPS

ClinVar aggregate classification (germline): Uncertain significance (1 of 4 stars; one submission).

Allele frequency attached by ClinVar (database versions not stated): gnomAD exomes below 0.00001.
gnomAD v4.1: 1 of 1,614,170 alleles (0.000062%); highest among the groups gnomAD compares: Non-Finnish European, 0.000085%; no homozygotes.

Submission:

CeGaT Center for Human Genetics Tuebingen
Classification: Uncertain significance. Last evaluated: 2023-10-01. Review status: criteria provided, single submitter. Criteria: CeGaT Center For Human Genetics Tuebingen Variant Classification Criteria Version 2. Collection method: clinical testing. Allele origin: germline. Affected: yes. Observed: 1 variant allele.
Comment: MBD5: PM2, BP4